The following is an entry in ClinVar:

ClinVar aggregate classification (germline): Conflicting classifications of pathogenicity. Review status: criteria provided, conflicting classifications (1 of 4 stars). 2 submissions from 2 submitters: Uncertain significance (1); Likely benign (1). Last evaluated 2024-10-17.

Conditions:
Spermatogenic failure 18. Identifiers: MedGen C4539783, MONDO:0054615, OMIM 617576.
Ciliary dyskinesia, primary, 37 (CILD37). Also called: CILIARY DYSKINESIA, PRIMARY, 37, WITH OR WITHOUT SITUS INVERSUS. Identifiers: MedGen C4539798, MONDO:0033204, OMIM 617577.

Allele frequency attached by ClinVar (database versions not stated): gnomAD exomes 0.00004; gnomAD 0.00006; TOPMed 0.00006; ExAC 0.00010.
gnomAD v4.1: 68 of 1,613,880 alleles (0.0042%); highest among the groups gnomAD compares: Non-Finnish European, 0.0031%; no homozygotes.

Submissions (2):

Labcorp Genetics (formerly Invitae), Labcorp
Classification: Uncertain significance for Ciliary dyskinesia, primary, 37; Spermatogenic failure 18. Last evaluated: 2024-10-17. Review status: criteria provided, single submitter. Criteria: Invitae Variant Classification Sherloc (09022015). Collection method: clinical testing. Allele origin: germline.
Comment: This sequence change affects codon 2051 of the DNAH1 mRNA. It is a 'silent' change, meaning that it does not change the encoded amino acid sequence of the DNAH1 protein. This variant is present in population databases (rs781354199, gnomAD 0.03%). This variant has not been reported in the literature in individuals affected with DNAH1-related conditions. Algorithms developed to predict the effect of sequence changes on RNA splicing suggest that this variant may create or strengthen a splice site. In summary, the available evidence is currently insufficient to determine the role of this variant in disease. Therefore, it has been classified as a Variant of Uncertain Significance.

Blueprint Genetics
Classification: Likely benign. Last evaluated: 2024-07-08. Review status: criteria provided, single submitter. Criteria: ACMG Guidelines, 2015. Collection method: clinical testing. Allele origin: germline.

NM_015512.5(DNAH1):c.6153C>T (p.Phe2051=)

Gene: DNAH1 (dynein axonemal heavy chain 1; plus strand). Cytogenetic location: 3p21.1.
Variant type: single nucleotide variant.
Coding change: c.6153C>T on transcript NM_015512.5 (MANE Select); coding-DNA position 6153, C replaced by T.
Protein change: p.Phe2051=; no amino-acid change (phenylalanine 2051 retained).
Molecular consequence: synonymous variant.
Genome position (GRCh38, 1-based): chr3:52,370,124, C>T. VCF-style: chr3-52370124-C-T. GRCh37 (hg19) VCF-style: chr3-52404140-C-T.
Identifiers: ClinVar variation 2923295 (VCV002923295.3), dbSNP rs781354199, ClinGen allele CA2434433.